The following is an entry in ClinVar:

ClinVar aggregate classification (germline): Pathogenic (1 of 4 stars; one submission).

Submission:

CeGaT Center for Human Genetics Tuebingen
Classification: Pathogenic. Last evaluated: 2026-08-01. Review status: criteria provided, single submitter. Criteria: CeGaT Center For Human Genetics Tuebingen Variant Classification Criteria Version 2. Collection method: clinical testing. Allele origin: germline. Affected: yes. Observed: 1 variant allele.
Comment: ACAN: PVS1, PM2, PS4:Supporting

NM_001369268.1(ACAN):c.7198G>T (p.Glu2400Ter)

Gene: ACAN (aggrecan; plus strand). Cytogenetic location: 15q26.1.
Variant type: single nucleotide variant.
Coding change: c.7198G>T on transcript NM_001369268.1 (MANE Select); coding-DNA position 7198, G replaced by T.
Protein change: p.Glu2400Ter; replaces glutamic acid 2400 with a stop codon.
Molecular consequence: nonsense.
Genome position (GRCh38, 1-based): chr15:88,871,519, G>T. VCF-style: chr15-88871519-G-T. GRCh37 (hg19) VCF-style: chr15-89414750-G-T.
Other names: c.6970G>T, p.Glu2324Ter (NM_001135.4, NM_001411096.1); c.7084G>T, p.Glu2362Ter (NM_001411097.1, NM_013227.4); short protein forms E2324*, E2362*, E2400*.
Identifiers: ClinVar variation 5039685 (VCV005039685.1).